The following is an entry in ClinVar:

NM_000334.4(SCN4A):c.5282G>A (p.Ser1761Asn)

Genes: GH-LCR (growth hormone locus control region; plus strand), SCN4A (sodium voltage-gated channel alpha subunit 4; minus strand). Cytogenetic location: 17q23.3.
Variant type: single nucleotide variant.
Coding change: c.5282G>A on transcript NM_000334.4 (MANE Select); coding-DNA position 5282, G replaced by A.
Protein change: p.Ser1761Asn; replaces serine 1761 with asparagine.
Molecular consequence: missense variant.
Genome position (GRCh38, 1-based): chr17:63,941,000, C>T on the plus strand (G>A on the coding strand, the complement: SCN4A is on the minus strand). VCF-style: chr17-63941000-C-T. GRCh37 (hg19) VCF-style: chr17-62018360-C-T.
Other names: short protein forms S1761N.
Identifiers: ClinVar variation 3014035 (VCV003014035.3), dbSNP rs1238260829, ClinGen allele CA400613042.

ClinVar aggregate classification (germline): Uncertain significance (1 of 4 stars; one submission).

Conditions:
Hyperkalemic periodic paralysis. Also called: Familial hyperkalemic periodic paralysis; Gamstorp disease. Identifiers: Orphanet 682, MedGen C0238357, MONDO:0008224, OMIM 170500, HP:0007215.

Allele frequency attached by ClinVar (database versions not stated): gnomAD exomes below 0.00001; gnomAD 0.00002; TOPMed 0.00003.
gnomAD v4.1: 7 of 1,613,318 alleles (0.00043%); highest among the groups gnomAD compares: African/African-American, 0.008%; no homozygotes.

Submission:

Labcorp Genetics (formerly Invitae), Labcorp
Classification: Uncertain significance for Hyperkalemic periodic paralysis. Last evaluated: 2023-01-05. Review status: criteria provided, single submitter. Criteria: Invitae Variant Classification Sherloc (09022015). Collection method: clinical testing. Allele origin: germline.
Comment: In summary, the available evidence is currently insufficient to determine the role of this variant in disease. Therefore, it has been classified as a Variant of Uncertain Significance. Algorithms developed to predict the effect of missense changes on protein structure and function output the following: SIFT: "Tolerated"; PolyPhen-2: "Benign"; Align-GVGD: "Class C0". The asparagine amino acid residue is found in multiple mammalian species, which suggests that this missense change does not adversely affect protein function. This variant has not been reported in the literature in individuals affected with SCN4A-related conditions. This variant is present in population databases (no rsID available, gnomAD 0.007%). This sequence change replaces serine, which is neutral and polar, with asparagine, which is neutral and polar, at codon 1761 of the SCN4A protein (p.Ser1761Asn).